The following is an entry in ClinVar:

ClinVar aggregate classification (germline): Uncertain significance. Review status: criteria provided, multiple submitters, no conflicts (2 of 4 stars). 2 submissions from 2 submitters: Uncertain significance (2). Last evaluated 2025-05-14.

Conditions:
Inborn genetic diseases. Identifiers: MedGen C0950123, MeSH D030342.
Cataract 22 multiple types. Also called: Cataract 22; CATARACT 22, NUCLEAR, AUTOSOMAL RECESSIVE; CATARACT 22, MULTIPLE TYPES, AUTOSOMAL DOMINANT. Identifiers: Orphanet 91492, MedGen C1857853, MONDO:0012336, OMIM 609741.

gnomAD v4.1: 32 of 1,614,068 alleles (0.002%); highest among the groups gnomAD compares: African/African-American, 0.031%; no homozygotes.

Submissions (2):

Ambry Genetics
Classification: Uncertain significance for Inborn genetic diseases. Last evaluated: 2025-05-14. Review status: criteria provided, single submitter. Criteria: Ambry Variant Classification Scheme 2023. Collection method: clinical testing. Allele origin: germline.

Labcorp Genetics (formerly Invitae), Labcorp
Classification: Uncertain significance for Cataract 22 multiple types. Last evaluated: 2024-10-26. Review status: criteria provided, single submitter. Criteria: Invitae Variant Classification Sherloc (09022015). Collection method: clinical testing. Allele origin: germline.
Comment: This sequence change replaces arginine, which is basic and polar, with cysteine, which is neutral and slightly polar, at codon 75 of the CRYBB3 protein (p.Arg75Cys). This variant is present in population databases (rs141617094, gnomAD 0.04%). This variant has not been reported in the literature in individuals affected with CRYBB3-related conditions. An algorithm developed to predict the effect of missense changes on protein structure and function outputs the following: PolyPhen-2: "Benign". The cysteine amino acid residue is found in multiple mammalian species, which suggests that this missense change does not adversely affect protein function. In summary, the available evidence is currently insufficient to determine the role of this variant in disease. Therefore, it has been classified as a Variant of Uncertain Significance.

NM_004076.5(CRYBB3):c.223C>T (p.Arg75Cys)

Gene: CRYBB3 (crystallin beta B3; plus strand). Cytogenetic location: 22q11.23.
Variant type: single nucleotide variant.
Coding change: c.223C>T on transcript NM_004076.5 (MANE Select); coding-DNA position 223, C replaced by T.
Protein change: p.Arg75Cys; replaces arginine 75 with cysteine.
Molecular consequence: missense variant.
Genome position (GRCh38, 1-based): chr22:25,203,791, C>T. VCF-style: chr22-25203791-C-T. GRCh37 (hg19) VCF-style: chr22-25599758-C-T.
Other names: c.223C>T (NM_004076.3); short protein forms R75C.
Identifiers: ClinVar variation 3683144 (VCV003683144.3).
Genomic context (GRCh38, chr22:25,203,791, plus strand): 5'-AGGTGACCCAGCCAAGCCTCTTCCTCCCTCAGGTGGCTGGCATTTGAGTCCAGGGCCTTC[C>T]GCGGGGAGCAGTTTGTTCTGGAGAAGGGGGATTATCCTCGCTGGGATGCCTGGTCCAACA-3'
Protein context (NP_004067.1, residues 65-85): PWLAFESRAF[Arg75Cys]GEQFVLEKGD